The following is an entry in ClinVar:

ClinVar aggregate classification (germline): Benign. Review status: criteria provided, multiple submitters, no conflicts (2 of 4 stars). 4 submissions from 4 submitters: Benign (3). 1 of the submissions does not count toward it. Last evaluated 2024-09-01.

Allele frequency attached by ClinVar (database versions not stated): 1000 Genomes Project 30x 0.00312; 1000 Genomes Project 0.00319; gnomAD 0.00608 and 0.00683; gnomAD exomes 0.00629 and 0.00892; ESP Exome Variant Server 0.00657; TOPMed 0.00702; ExAC 0.00708.
gnomAD v4.1: 13,969 of 1,605,904 alleles (0.87%); highest among the groups gnomAD compares: Non-Finnish European, 1%; 79 homozygotes.

Submissions (4):

CeGaT Center for Human Genetics Tuebingen
Classification: Benign. Last evaluated: 2024-09-01. Review status: criteria provided, single submitter. Criteria: CeGaT Center For Human Genetics Tuebingen Variant Classification Criteria Version 2. Collection method: clinical testing. Allele origin: germline. Affected: yes. Observed: 40 variant alleles.
Comment: CDH15: BP4, BP7, BS1, BS2

Labcorp Genetics (formerly Invitae), Labcorp
Classification: Benign. Last evaluated: 2019-12-31. Review status: criteria provided, single submitter. Criteria: Invitae Variant Classification Sherloc (09022015). Collection method: clinical testing. Allele origin: germline.

Breakthrough Genomics
Classification: Benign. Review status: criteria provided, single submitter. Criteria: ACMG Guidelines, 2015. Collection method: not provided. Allele origin: germline. Inheritance: Autosomal dominant inheritance. Affected: yes.

Genetic Services Laboratory, University of Chicago
Classification: Likely benign for AllHighlyPenetrant. Review status: no assertion criteria provided. Collection method: clinical testing. Allele origin: germline. Inheritance: Autosomal dominant inheritance. Not counted in ClinVar's aggregate classification.
Comment: Likely benign based on allele frequency in 1000 Genomes Project or ESP global frequency and its presence in a patient with a rare or unrelated disease phenotype. NOT Sanger confirmed.

NM_004933.3(CDH15):c.2025G>A (p.Pro675=)

Gene: CDH15 (cadherin 15; plus strand). Cytogenetic location: 16q24.3.
Variant type: single nucleotide variant.
Coding change: c.2025G>A on transcript NM_004933.3 (MANE Select); coding-DNA position 2025, G replaced by A.
Protein change: p.Pro675=; no amino-acid change (proline 675 retained).
Molecular consequence: synonymous variant.
Genome position (GRCh38, 1-based): chr16:89,193,787, G>A. VCF-style: chr16-89193787-G-A. GRCh37 (hg19) VCF-style: chr16-89260195-G-A.
Identifiers: ClinVar variation 128648 (VCV000128648.39), dbSNP rs62068507, ClinGen allele CA152236.